The following is an entry in ClinVar:

NM_199420.4(POLQ):c.3152C>A (p.Ser1051Tyr)

Gene: POLQ (DNA polymerase theta; minus strand). Cytogenetic location: 3q13.33.
Variant type: single nucleotide variant.
Coding change: c.3152C>A on transcript NM_199420.4 (MANE Select); coding-DNA position 3152, C replaced by A.
Protein change: p.Ser1051Tyr; replaces serine 1051 with tyrosine.
Molecular consequence: missense variant.
Genome position (GRCh38, 1-based): chr3:121,489,779, G>T on the plus strand (C>A on the coding strand, the complement: POLQ is on the minus strand). VCF-style: chr3-121489779-G-T. GRCh37 (hg19) VCF-style: chr3-121208626-G-T.
Other names: short protein forms S1051Y.
Identifiers: ClinVar variation 1728206 (VCV001728206.3), dbSNP rs2048049916, ClinGen allele CA354101531.
Genomic context (GRCh38, chr3:121,489,779, plus strand): 5'-GTCTGTCCTTGTAAATGGATTCTACACGCTCCAGAGTCTTTCAGGGGGCTGCTGTCCCTA[G>T]ATCGCTTTAGATGCTTTCTACGTTTCCAAGATCGAAAACTTCTGCTCATCTTTTCTGAAT-3'
Protein context (NP_955452.3, residues 1041-1061): SWKRRKHLKR[Ser1051Tyr]RDSSPLKDSG

ClinVar aggregate classification (germline): Uncertain significance (1 of 4 stars; one submission).

Submission:

Ambry Genetics
Classification: Uncertain significance. Last evaluated: 2024-07-23. Review status: criteria provided, single submitter. Criteria: Ambry Variant Classification Scheme 2023. Collection method: clinical testing. Allele origin: germline.
Comment: The p.S1051Y variant (also known as c.3152C>A), located in coding exon 16 of the POLQ gene, results from a C to A substitution at nucleotide position 3152. The serine at codon 1051 is replaced by tyrosine, an amino acid with dissimilar properties. This amino acid position is conserved. In addition, this alteration is predicted to be tolerated by in silico analysis. Since supporting evidence is limited at this time, the clinical significance of this alteration remains unclear.